The following is an entry in ClinVar:

NM_016239.4(MYO15A):c.7967-2A>C

Gene: MYO15A (myosin XVA; plus strand). Cytogenetic location: 17p11.2.
Variant type: single nucleotide variant.
Coding change: c.7967-2A>C on transcript NM_016239.4 (MANE Select); the canonical splice acceptor site of the intron before coding-DNA position 7967, A replaced by C.
Molecular consequence: splice acceptor variant.
Genome position (GRCh38, 1-based): chr17:18,153,773, A>C. VCF-style: chr17-18153773-A-C. GRCh37 (hg19) VCF-style: chr17-18057087-A-C.
Identifiers: ClinVar variation 3601393 (VCV003601393.1).
Genomic context (GRCh38, chr17:18,153,773, plus strand): 5'-ATATTAATTAAATAAAAAAACGAGGTGCCTTCTCCTGACTCCCTGATCCCCGCGCTCTCC[A>C]GCTCTGCCCTCGCGATCGCTGGAGCCCCCTGAGGAACTCACGCAGACGCGGCTGCACCGC-3'

ClinVar aggregate classification (germline): Likely pathogenic (1 of 4 stars; one submission).

Conditions:
Autosomal recessive nonsyndromic hearing loss 3. Also called: NEUROSENSORY NONSYNDROMIC RECESSIVE DEAFNESS 3. Identifiers: Orphanet 90636, MedGen C1838263, MONDO:0010860, OMIM 600316.

Submission:

Institute of Rare Diseases, West China Hospital, Sichuan University
Classification: Likely pathogenic for Autosomal recessive nonsyndromic hearing loss 3. Last evaluated: 2025-01-09. Review status: criteria provided, single submitter. Criteria: ClinGen HL ACMG Specifications v1. Collection method: research. Allele origin: germline. Affected: yes.
Comment: PVS1;PM2_Supporting